The following is an entry in ClinVar:

ClinVar aggregate classification (germline): Likely benign (1 of 4 stars; one submission).

Allele frequency attached by ClinVar (database versions not stated): TOPMed below 0.00001.

Submission:

GeneDx
Classification: Likely benign. Last evaluated: 2016-03-07. Review status: criteria provided, single submitter. Criteria: GeneDx Variant Classification (06012015). Collection method: clinical testing. Allele origin: germline. Affected: yes.
Comment: This variant is considered likely benign or benign based on one or more of the following criteria: it is a conservative change, it occurs at a poorly conserved position in the protein, it is predicted to be benign by multiple in silico algorithms, and/or has population frequency not consistent with disease.

NM_007327.4(GRIN1):c.-29G>A

Gene: GRIN1 (glutamate ionotropic receptor NMDA type subunit 1; plus strand). Cytogenetic location: 9q34.3.
Variant type: single nucleotide variant.
Coding change: c.-29G>A on transcript NM_007327.4 (MANE Select); 29 bases upstream of the start codon, G replaced by A.
Molecular consequence: 5 prime UTR variant.
Genome position (GRCh38, 1-based): chr9:137,139,458, G>A. VCF-style: chr9-137139458-G-A. GRCh37 (hg19) VCF-style: chr9-140033910-G-A.
Other names: c.-29G>A (NM_000832.7, NM_001185090.2, NM_001185091.2 and 1 more transcripts).
Identifiers: ClinVar variation 384548 (VCV000384548.1), dbSNP rs150851773, ClinGen allele CA16605657.